The following is an entry in ClinVar:

ClinVar aggregate classification (germline): Uncertain significance (1 of 4 stars; one submission).

Submission:

Labcorp Genetics (formerly Invitae), Labcorp
Classification: Uncertain significance. Last evaluated: 2024-02-24. Review status: criteria provided, single submitter. Criteria: Invitae Variant Classification Sherloc (09022015). Collection method: clinical testing. Allele origin: germline.
Comment: This sequence change replaces phenylalanine, which is neutral and non-polar, with tyrosine, which is neutral and polar, at codon 126 of the DNASE2 protein (p.Phe126Tyr). This variant is not present in population databases (gnomAD no frequency). This variant has not been reported in the literature in individuals affected with DNASE2-related conditions. ClinVar contains an entry for this variant (Variation ID: 2120600). An algorithm developed to predict the effect of missense changes on protein structure and function (PolyPhen-2) suggests that this variant is likely to be disruptive. In summary, the available evidence is currently insufficient to determine the role of this variant in disease. Therefore, it has been classified as a Variant of Uncertain Significance.

NM_001375.3(DNASE2):c.377T>A (p.Phe126Tyr)

Gene: DNASE2 (deoxyribonuclease 2, lysosomal; minus strand). Cytogenetic location: 19p13.13.
Variant type: single nucleotide variant.
Coding change: c.377T>A on transcript NM_001375.3 (MANE Select); coding-DNA position 377, T replaced by A.
Protein change: p.Phe126Tyr; replaces phenylalanine 126 with tyrosine.
Molecular consequence: missense variant.
Genome position (GRCh38, 1-based): chr19:12,878,804, A>T on the plus strand (T>A on the coding strand, the complement: DNASE2 is on the minus strand). VCF-style: chr19-12878804-A-T. GRCh37 (hg19) VCF-style: chr19-12989618-A-T.
Other names: short protein forms F126Y.
Identifiers: ClinVar variation 2120600 (VCV002120600.4), dbSNP rs2512549808, ClinGen allele CA404300487.